The following is an entry in ClinVar:

NM_001613.4(ACTA2):c.645G>A (p.Lys215=)

Genes: ACTA2 (actin alpha 2, smooth muscle; minus strand), ACTA2-AS1 (ACTA2 antisense RNA 1; plus strand). Cytogenetic location: 10q23.31.
Variant type: single nucleotide variant.
Coding change: c.645G>A on transcript NM_001613.4 (MANE Select); coding-DNA position 645, G replaced by A.
Protein change: p.Lys215=; no amino-acid change (lysine 215 retained).
Molecular consequence: synonymous variant. On other transcripts: non-coding transcript variant (1), intron variant (1).
Genome position (GRCh38, 1-based): chr10:88,939,670, C>T on the plus strand (G>A on the coding strand, the complement: ACTA2 is on the minus strand). VCF-style: chr10-88939670-C-T. GRCh37 (hg19) VCF-style: chr10-90699427-C-T.
Other names: c.645G>A, p.Lys215= (NM_001141945.3, NM_001320855.2, NM_001406462.1 and 2 more transcripts); c.534G>A, p.Lys178= (NM_001406466.1); c.516G>A, p.Lys172= (NM_001406467.1, NM_001406468.1, NM_001406469.1); c.617-1428G>A (NM_001406471.1).
Identifiers: ClinVar variation 877990 (VCV000877990.14), dbSNP rs1053760032, ClinGen allele CA211319317.

ClinVar aggregate classification (germline): Conflicting classifications of pathogenicity. Review status: criteria provided, conflicting classifications (1 of 4 stars). 5 submissions from 4 submitters: Uncertain significance (2); Likely benign (3). Last evaluated 2024-11-03.

Conditions:
Familial thoracic aortic aneurysm and aortic dissection (TAAD). Also called: Thoracic aortic aneurysms and dissections. Identifiers: Orphanet 91387, MedGen C4707243, MONDO:0019625.
Aortic aneurysm, familial thoracic 6 (AAT6). Also called: FAMILIAL THORACIC AORTIC ANEURYSM WITH LIVEDO RETICULARIS AND IRIS FLOCCULI. Identifiers: MedGen C2673186, MONDO:0012730, OMIM 611788.
Multisystemic smooth muscle dysfunction syndrome (SMDYS). Also called: MYDRIASIS, CONGENITAL, WITH PATENT DUCTUS ARTERIOSUS, THORACIC AORTIC ANEURYSM, AND VASCULOPATHY; SMOOTH MUSCLE DYSFUNCTION SYNDROME. Identifiers: Orphanet 404463, MedGen C3151201, MONDO:0013452, OMIM 613834.

Allele frequency attached by ClinVar (database versions not stated): gnomAD exomes below 0.00001; TOPMed 0.00001.
gnomAD v4.1: 1 of 1,614,004 alleles (0.000062%); highest among the groups gnomAD compares: Non-Finnish European, 0.000085%; no homozygotes.

Submissions (5):

Ambry Genetics
Classification: Likely benign for Familial thoracic aortic aneurysm and aortic dissection. Last evaluated: 2024-11-03. Review status: criteria provided, single submitter. Criteria: Ambry Variant Classification Scheme 2023. Collection method: clinical testing. Allele origin: germline.

All of Us Research Program, National Institutes of Health
Classification: Likely benign for Familial thoracic aortic aneurysm and aortic dissection. Last evaluated: 2023-11-02. Review status: criteria provided, single submitter. Criteria: ACMG Guidelines, 2015. Collection method: clinical testing. Allele origin: germline. Inheritance: Autosomal dominant inheritance. Observed: 1 variant allele, 1 heterozygote.
Comment: This study involves interpretation of variants in research participants for the purpose of population health screening. Participant phenotype was not available at the time of variant classification. Additional details can be found in publication PMID: 35346344, PMCID: PMC8962531

Labcorp Genetics (formerly Invitae), Labcorp
Classification: Likely benign for Aortic aneurysm, familial thoracic 6. Last evaluated: 2021-04-17. Review status: criteria provided, single submitter. Criteria: Invitae Variant Classification Sherloc (09022015). Collection method: clinical testing. Allele origin: germline.

Illumina Laboratory Services, Illumina
Classification: Uncertain significance for Multisystemic smooth muscle dysfunction syndrome. Last evaluated: 2018-01-13. Review status: criteria provided, single submitter. Criteria: ICSL Variant Classification Criteria 13 December 2019. Collection method: clinical testing. Allele origin: germline.

Illumina Laboratory Services, Illumina
Classification: Uncertain significance for Aortic aneurysm, familial thoracic 6. Last evaluated: 2018-01-13. Review status: criteria provided, single submitter. Criteria: ICSL Variant Classification Criteria 13 December 2019. Collection method: clinical testing. Allele origin: germline.